The following is an entry in ClinVar:

ClinVar aggregate classification (germline): Uncertain significance (1 of 4 stars; one submission).

Allele frequency attached by ClinVar (database versions not stated): ExAC 0.00002; TOPMed 0.00003; gnomAD exomes 0.00004 and 0.00009; gnomAD 0.00006; ESP Exome Variant Server 0.00008.
gnomAD v4.1: 137 of 1,613,234 alleles (0.0085%); highest among the groups gnomAD compares: Non-Finnish European, 0.011%; no homozygotes.

Submission:

GeneDx
Classification: Uncertain significance. Last evaluated: 2019-09-29. Review status: criteria provided, single submitter. Criteria: GeneDx Variant Classification Process June 2021. Collection method: clinical testing. Allele origin: germline. Affected: yes.
Comment: In silico analysis, which includes protein predictors and evolutionary conservation, supports that this variant does not alter protein structure/function; Has not been previously published as pathogenic or benign to our knowledge

NM_015278.5(SASH1):c.3190C>T (p.Leu1064Phe)

Gene: SASH1 (SAM and SH3 domain containing 1; plus strand). Cytogenetic location: 6q25.1.
Variant type: single nucleotide variant.
Coding change: c.3190C>T on transcript NM_015278.5 (MANE Select); coding-DNA position 3190, C replaced by T.
Protein change: p.Leu1064Phe; replaces leucine 1064 with phenylalanine.
Molecular consequence: missense variant.
Genome position (GRCh38, 1-based): chr6:148,544,660, C>T. VCF-style: chr6-148544660-C-T. GRCh37 (hg19) VCF-style: chr6-148865796-C-T.
Other names: c.3055C>T, p.Leu1019Phe (NM_001346505.2); c.2818C>T, p.Leu940Phe (NM_001346506.2); c.2473C>T, p.Leu825Phe (NM_001346507.2); c.2962C>T, p.Leu988Phe (NM_001346508.2); c.2839C>T, p.Leu947Phe (NM_001346509.2); short protein forms L1019F, L1064F, L825F, L940F, L947F, L988F.
Identifiers: ClinVar variation 1308776 (VCV001308776.2), dbSNP rs138571273, ClinGen allele CA4040789.